The following is an entry in ClinVar:

ClinVar aggregate classification (germline): Uncertain significance (1 of 4 stars; one submission).

Submission:

Labcorp Genetics (formerly Invitae), Labcorp
Classification: Uncertain significance. Last evaluated: 2022-02-20. Review status: criteria provided, single submitter. Criteria: Invitae Variant Classification Sherloc (09022015). Collection method: clinical testing. Allele origin: germline.
Comment: This variant has not been reported in the literature in individuals affected with LAMC3-related conditions. This variant is not present in population databases (gnomAD no frequency). This sequence change replaces lysine, which is basic and polar, with threonine, which is neutral and polar, at codon 404 of the LAMC3 protein (p.Lys404Thr). Algorithms developed to predict the effect of missense changes on protein structure and function (SIFT, PolyPhen-2, Align-GVGD) all suggest that this variant is likely to be disruptive. In summary, the available evidence is currently insufficient to determine the role of this variant in disease. Therefore, it has been classified as a Variant of Uncertain Significance.

NM_006059.4(LAMC3):c.1211A>C (p.Lys404Thr)

Gene: LAMC3 (laminin subunit gamma 3; plus strand). Cytogenetic location: 9q34.12.
Variant type: single nucleotide variant.
Coding change: c.1211A>C on transcript NM_006059.4 (MANE Select); coding-DNA position 1211, A replaced by C.
Protein change: p.Lys404Thr; replaces lysine 404 with threonine.
Molecular consequence: missense variant.
Genome position (GRCh38, 1-based): chr9:131,039,176, A>C. VCF-style: chr9-131039176-A-C. GRCh37 (hg19) VCF-style: chr9-133914563-A-C.
Other names: short protein forms K404T.
Identifiers: ClinVar variation 1992041 (VCV001992041.4), dbSNP rs1197678753, ClinGen allele CA375259721.